The following is an entry in ClinVar:

ClinVar aggregate classification (germline): Conflicting classifications of pathogenicity. Review status: criteria provided, conflicting classifications (1 of 4 stars). 7 submissions from 7 submitters: Uncertain significance (5); Benign (1). 1 of the submissions does not count toward it. Last evaluated 2026-01-15.

Conditions:
Arthrogryposis multiplex congenita 6. Identifiers: MedGen C5543431, MONDO:0030281, OMIM 619334.
Nemaline myopathy 2 (NEM2). Also called: Nemaline myopathy 2, autosomal recessive. Identifiers: MedGen C1850569, MONDO:0009725, OMIM 256030.

Allele frequency attached by ClinVar (database versions not stated): gnomAD exomes 0.00007 and 0.00014; ESP Exome Variant Server 0.00008; gnomAD 0.00011 and 0.00013; TOPMed 0.00012; 1000 Genomes Project 30x 0.00016; ExAC 0.00018; 1000 Genomes Project 0.00020.
gnomAD v4.1: 122 of 1,609,076 alleles (0.0076%); highest among the groups gnomAD compares: South Asian, 0.078%; 2 homozygotes.

Submissions (7):

Labcorp Genetics (formerly Invitae), Labcorp
Classification: Benign for Nemaline myopathy 2. Last evaluated: 2026-01-15. Review status: criteria provided, single submitter. Criteria: Invitae Variant Classification Sherloc (09022015). Collection method: clinical testing. Allele origin: germline.

Revvity Omics, Revvity
Classification: Uncertain significance. Last evaluated: 2023-10-31. Review status: criteria provided, single submitter. Criteria: ACMG Guidelines, 2015. Collection method: clinical testing. Allele origin: germline.

Department of Pathology and Laboratory Medicine, Sinai Health System
Classification: Uncertain significance for Nemaline myopathy 2; Arthrogryposis multiplex congenita 6. Last evaluated: 2022-03-01. Review status: criteria provided, single submitter. Criteria: ACMG Guidelines, 2015. Collection method: research. Allele origin: germline.

Genome-Nilou Lab
Classification: Uncertain significance for Nemaline myopathy 2. Last evaluated: 2021-06-10. Review status: criteria provided, single submitter. Criteria: ACMG Guidelines, 2015. Collection method: clinical testing. Allele origin: germline. Affected: no.

Illumina Laboratory Services, Illumina
Classification: Uncertain significance for Nemaline myopathy 2. Last evaluated: 2018-01-13. Review status: criteria provided, single submitter. Criteria: ICSL Variant Classification Criteria 13 December 2019. Collection method: clinical testing. Allele origin: germline.

GeneDx
Classification: Uncertain significance. Last evaluated: 2017-07-20. Review status: criteria provided, single submitter. Criteria: GeneDx Variant Classification (06012015). Collection method: clinical testing. Allele origin: germline. Affected: yes.
Comment: The R8424W variant in the NEB gene has not been reported previously as a pathogenic variant, nor as a benign variant, to our knowledge. The R8424W variant is observed in 10/12108 (0.08%) alleles from individuals of South Asian background, in the ExAC dataset (Lek et al., 2016). The R8424W variant is a non-conservative amino acid substitution, which is likely to impact secondary protein structure as these residues differ in polarity, charge, size and/or other properties. This substitution occurs at a position that is conserved across species. In silico analysis predicts this variant is probably damaging to the protein structure/function. We interpret R8424W as a variant of uncertain significance.

Natera, Inc.
Classification: Uncertain significance for Nemaline myopathy type 2. Last evaluated: 2020-01-17. Review status: no assertion criteria provided. Collection method: clinical testing. Allele origin: germline. Not counted in ClinVar's aggregate classification.

NM_001164508.2(NEB):c.25165C>T (p.Arg8389Trp)

Genes: NEB (nebulin; minus strand), RIF1 (replication timing regulatory factor 1; plus strand). Cytogenetic location: 2q23.3.
Variant type: single nucleotide variant.
Coding change: c.25165C>T on transcript NM_001164508.2 (MANE Select); coding-DNA position 25165, C replaced by T.
Protein change: p.Arg8389Trp; replaces arginine 8389 with tryptophan.
Molecular consequence: missense variant.
Genome position (GRCh38, 1-based): chr2:151,490,504, G>A on the plus strand (C>T on the coding strand, the complement: NEB is on the minus strand). VCF-style: chr2-151490504-G-A. GRCh37 (hg19) VCF-style: chr2-152347018-G-A.
Other names: c.25165C>T, p.Arg8389Trp (NM_001164507.2); c.25270C>T, p.Arg8424Trp (NM_001271208.2); c.19597C>T, p.Arg6533Trp (NM_004543.5); short protein forms R6533W, R8424W, R8389W.
Identifiers: ClinVar variation 331403 (VCV000331403.18), dbSNP rs373551215, ClinGen allele CA1905791.
Genomic context (GRCh38, chr2:151,490,504, plus strand): 5'-ACTTCTCCTCACCCCCACTGATGCTTAGTGCACTGGCAGATCGTGACTGCTCCCGGCTCC[G>A]GCGCTGAGCTTGGACTGGGAGAGATGCAGTTGGGGGAGATGTAGCAAACATGAAATTTCT-3'
Protein context (NP_001157980.2, residues 8379-8399): LHMINVQAQR[Arg8389Trp]SREQSRSASA